The following is an entry in ClinVar:

ClinVar aggregate classification (germline): Uncertain significance (1 of 4 stars; one submission).

Conditions:
Familial hemiplegic migraine. Identifiers: MedGen C0338484, MONDO:0000700.

Submission:

Labcorp Genetics (formerly Invitae), Labcorp
Classification: Uncertain significance for Familial hemiplegic migraine. Last evaluated: 2023-05-30. Review status: criteria provided, single submitter. Criteria: Invitae Variant Classification Sherloc (09022015). Collection method: clinical testing. Allele origin: germline.
Comment: This sequence change falls in intron 10 of the ATP1A2 gene. It does not directly change the encoded amino acid sequence of the ATP1A2 protein. It affects a nucleotide within the consensus splice site. This variant is not present in population databases (gnomAD no frequency). In summary, the available evidence is currently insufficient to determine the role of this variant in disease. Therefore, it has been classified as a Variant of Uncertain Significance. Variants that disrupt the consensus splice site are a relatively common cause of aberrant splicing (PMID: 17576681, 9536098). Algorithms developed to predict the effect of sequence changes on RNA splicing suggest that this variant may disrupt the consensus splice site. This variant has not been reported in the literature in individuals affected with ATP1A2-related conditions.

Literature cited by the submitters: PubMed 17576681; PubMed 9536098.

NM_000702.4(ATP1A2):c.1326+6G>T

Gene: ATP1A2 (ATPase Na+/K+ transporting subunit alpha 2; plus strand). Cytogenetic location: 1q23.2.
Variant type: single nucleotide variant.
Coding change: c.1326+6G>T on transcript NM_000702.4 (MANE Select); 6 bases into the intron after coding-DNA position 1326, G replaced by T.
Molecular consequence: intron variant.
Genome position (GRCh38, 1-based): chr1:160,129,095, G>T. VCF-style: chr1-160129095-G-T. GRCh37 (hg19) VCF-style: chr1-160098885-G-T.
Identifiers: ClinVar variation 2749288 (VCV002749288.3), dbSNP rs2524869176, ClinGen allele CA2697554607.